The following is an entry in ClinVar:

NM_153704.6(TMEM67):c.407-1G>T

Gene: TMEM67 (transmembrane protein 67; plus strand). Cytogenetic location: 8q22.1.
Variant type: single nucleotide variant.
Coding change: c.407-1G>T on transcript NM_153704.6 (MANE Select); the canonical splice acceptor site of the intron before coding-DNA position 407, G replaced by T.
Molecular consequence: splice acceptor variant.
Genome position (GRCh38, 1-based): chr8:93,763,841, G>T. VCF-style: chr8-93763841-G-T. GRCh37 (hg19) VCF-style: chr8-94776069-G-T.
Other names: c.164-1G>T (NM_001142301.1).
Identifiers: ClinVar variation 2930931 (VCV002930931.3), dbSNP rs2536784373, ClinGen allele CA371686273.

ClinVar aggregate classification (germline): Likely pathogenic (1 of 4 stars; one submission).

Conditions:
Joubert syndrome. Also called: CEREBELLOPARENCHYMAL DISORDER IV; JOUBERT-BOLTSHAUSER SYNDROME; Familial aplasia of the vermis. Identifiers: Orphanet 475, MedGen C5979921, MONDO:0018772.
Meckel-Gruber syndrome. Also called: DYSENCEPHALIA SPLANCHNOCYSTICA; GRUBER SYNDROME; Dysencephalia splachnocystica. Identifiers: Orphanet 564, MedGen C0265215, MONDO:0018921.

Submission:

Labcorp Genetics (formerly Invitae), Labcorp
Classification: Likely pathogenic for Joubert syndrome; Meckel-Gruber syndrome. Last evaluated: 2023-09-29. Review status: criteria provided, single submitter. Criteria: Invitae Variant Classification Sherloc (09022015). Collection method: clinical testing. Allele origin: germline.
Comment: This sequence change affects an acceptor splice site in intron 3 of the TMEM67 gene. It is expected to disrupt RNA splicing. Variants that disrupt the donor or acceptor splice site typically lead to a loss of protein function (PMID: 16199547), and loss-of-function variants in TMEM67 are known to be pathogenic (PMID: 20232449, 23559409). This variant is not present in population databases (gnomAD no frequency). Disruption of this splice site has been observed in individual(s) with Joubert syndrome (PMID: 23559409). Algorithms developed to predict the effect of sequence changes on RNA splicing suggest that this variant may disrupt the consensus splice site. In summary, the currently available evidence indicates that the variant is pathogenic, but additional data are needed to prove that conclusively. Therefore, this variant has been classified as Likely Pathogenic.

Literature cited by the submitters: PubMed 16199547; PubMed 20232449; PubMed 23559409.